The following is an entry in ClinVar:

ClinVar aggregate classification (germline): Uncertain significance. Review status: criteria provided, multiple submitters, no conflicts (2 of 4 stars). 2 submissions from 2 submitters: Uncertain significance (2). Last evaluated 2026-02-02.

Allele frequency attached by ClinVar (database versions not stated): ExAC 0.00026; gnomAD exomes 0.00027 and 0.00044; ESP Exome Variant Server 0.00031; gnomAD 0.00032 and 0.00036; TOPMed 0.00033.

Submissions (2):

Labcorp Genetics (formerly Invitae), Labcorp
Classification: Uncertain significance. Last evaluated: 2026-02-02. Review status: criteria provided, single submitter. Criteria: Invitae Variant Classification Sherloc (09022015). Collection method: clinical testing. Allele origin: germline.
Comment: This sequence change replaces arginine, which is basic and polar, with histidine, which is basic and polar, at codon 371 of the CCDC88A protein (p.Arg371His). This variant is present in population databases (rs142780453, gnomAD 0.04%). This variant has not been reported in the literature in individuals affected with CCDC88A-related conditions. ClinVar contains an entry for this variant (Variation ID: 1521678). An algorithm developed to predict the effect of missense changes on protein structure and function (PolyPhen-2) suggests that this variant is likely to be tolerated. In summary, the available evidence is currently insufficient to determine the role of this variant in disease. Therefore, it has been classified as a Variant of Uncertain Significance.

Women's Health and Genetics/Laboratory Corporation of America, LabCorp
Classification: Uncertain significance. Last evaluated: 2024-07-11. Review status: criteria provided, single submitter. Criteria: LabCorp Variant Classification Summary - May 2015. Collection method: clinical testing. Allele origin: germline.
Comment: Variant summary: CCDC88A c.1112G>A (p.Arg371His) results in a non-conservative amino acid change in the encoded protein sequence. Three of five in-silico tools predict a damaging effect of the variant on protein function. The variant allele was found at a frequency of 0.00027 in 244554 control chromosomes. This frequency is not significantly higher than estimated for a pathogenic variant in CCDC88A causing PEHO-Like Syndrome, allowing no conclusion about variant significance. To our knowledge, no occurrence of c.1112G>A in individuals affected with PEHO-Like Syndrome and no experimental evidence demonstrating its impact on protein function have been reported. ClinVar contains an entry for this variant (Variation ID: 1521678). Based on the evidence outlined above, the variant was classified as uncertain significance.

NM_001365480.1(CCDC88A):c.1112G>A (p.Arg371His)

Gene: CCDC88A (coiled-coil and HOOK domain protein 88A; minus strand). Cytogenetic location: 2p16.1.
Variant type: single nucleotide variant.
Coding change: c.1112G>A on transcript NM_001365480.1 (MANE Select); coding-DNA position 1112, G replaced by A.
Protein change: p.Arg371His; replaces arginine 371 with histidine.
Molecular consequence: missense variant.
Genome position (GRCh38, 1-based): chr2:55,344,444, C>T on the plus strand (G>A on the coding strand, the complement: CCDC88A is on the minus strand). VCF-style: chr2-55344444-C-T. GRCh37 (hg19) VCF-style: chr2-55571580-C-T.
Other names: c.1112G>A, p.Arg371His (NM_001135597.2, NM_001254943.2, NM_018084.5); short protein forms R371H.
Identifiers: ClinVar variation 1521678 (VCV001521678.6), dbSNP rs142780453, ClinGen allele CA1666216.